The following is an entry in ClinVar:

ClinVar aggregate classification (germline): Uncertain significance. Review status: criteria provided, multiple submitters, no conflicts (2 of 4 stars). 2 submissions from 2 submitters: Uncertain significance (2). Last evaluated 2024-01-29.

Allele frequency attached by ClinVar (database versions not stated): ExAC 0.00002; gnomAD exomes 0.00002 and 0.00005; gnomAD 0.00003 and 0.00004; ESP Exome Variant Server 0.00016.
gnomAD v4.1: 82 of 1,613,858 alleles (0.0051%); highest among the groups gnomAD compares: Non-Finnish European, 0.0066%; no homozygotes.

Submissions (2):

Labcorp Genetics (formerly Invitae), Labcorp
Classification: Uncertain significance. Last evaluated: 2024-01-29. Review status: criteria provided, single submitter. Criteria: Invitae Variant Classification Sherloc (09022015). Collection method: clinical testing. Allele origin: germline.
Comment: This sequence change replaces threonine, which is neutral and polar, with asparagine, which is neutral and polar, at codon 88 of the SETD5 protein (p.Thr88Asn). This variant is present in population databases (rs371529347, gnomAD 0.005%). This variant has not been reported in the literature in individuals affected with SETD5-related conditions. ClinVar contains an entry for this variant (Variation ID: 1511417). Advanced modeling of protein sequence and biophysical properties (such as structural, functional, and spatial information, amino acid conservation, physicochemical variation, residue mobility, and thermodynamic stability) performed at Invitae indicates that this missense variant is not expected to disrupt SETD5 protein function with a negative predictive value of 80%. In summary, the available evidence is currently insufficient to determine the role of this variant in disease. Therefore, it has been classified as a Variant of Uncertain Significance.

Breakthrough Genomics
Classification: Uncertain significance. Review status: criteria provided, single submitter. Criteria: ACMG Guidelines, 2015. Collection method: not provided. Allele origin: germline. Inheritance: Autosomal dominant inheritance. Affected: yes.

NM_001080517.3(SETD5):c.263C>A (p.Thr88Asn)

Gene: SETD5 (SET domain containing 5; plus strand). Cytogenetic location: 3p25.3.
Variant type: single nucleotide variant.
Coding change: c.263C>A on transcript NM_001080517.3 (MANE Select); coding-DNA position 263, C replaced by A.
Protein change: p.Thr88Asn; replaces threonine 88 with asparagine.
Molecular consequence: missense variant. On other transcripts: 5 prime UTR variant (2).
Genome position (GRCh38, 1-based): chr3:9,434,419, C>A. VCF-style: chr3-9434419-C-A. GRCh37 (hg19) VCF-style: chr3-9476103-C-A.
Other names: c.-71C>A (NM_001292043.2); c.-112C>A (NM_001349451.2); short protein forms T88N.
Identifiers: ClinVar variation 1511417 (VCV001511417.9), dbSNP rs371529347, ClinGen allele CA2238899.